The following is an entry in ClinVar:

NM_000059.4(BRCA2):c.4317_4327del (p.Ala1439_Lys1440insTer)

Gene: BRCA2 (BRCA2 DNA repair associated; plus strand). Cytogenetic location: 13q13.1.
Variant type: Deletion.
Coding change: c.4317_4327del on transcript NM_000059.4 (MANE Select); coding-DNA positions 4317 to 4327, 11 bases deleted (CAAAGAGTCAT).
Protein change: p.Ala1439_Lys1440insTer.
Molecular consequence: frameshift variant.
Genome position (GRCh38, 1-based): chr13:32,338,672-32,338,682, CAAAGAGTCAT deleted. VCF-style (leftmost placement, unchanged base first): chr13-32338671-CCAAAGAGTCAT-C. GRCh37 (hg19) VCF-style: chr13-32912808-CCAAAGAGTCAT-C.
Other names: c.4317_4327del11 (NM_000059.3).
Identifiers: ClinVar variation 923637 (VCV000923637.6), dbSNP rs2072501463, ClinGen allele CA913188571.

ClinVar aggregate classification (germline): Pathogenic. Review status: criteria provided, multiple submitters, no conflicts (2 of 4 stars). 3 submissions from 3 submitters: Pathogenic (3). Last evaluated 2025-07-16.

Conditions:
Hereditary cancer-predisposing syndrome. Also called: Hereditary Cancer Syndrome; Hereditary neoplastic syndrome; Neoplastic Syndromes, Hereditary; Tumor predisposition. Identifiers: Orphanet 140162, MedGen C0027672, MeSH D009386, MONDO:0015356.
Breast-ovarian cancer, familial, susceptibility to, 2 (BROVCA2). Also called: BRCA2 Hereditary Breast and Ovarian Cancer. Identifiers: Orphanet 145, MedGen C2675520, MONDO:0012933, OMIM 612555. Disease mechanism: loss of function.

Submissions (3):

Myriad Genetics, Inc.
Classification: Pathogenic for Breast-ovarian cancer, familial, susceptibility to, 2. Last evaluated: 2025-07-16. Review status: criteria provided, single submitter. Criteria: Myriad Autosomal Dominant, Autosomal Recessive and X-Linked Classification Criteria (2023). Collection method: clinical testing. Allele origin: unknown.
Comment: This variant is considered pathogenic. This variant creates a termination codon and is predicted to result in premature protein truncation.

Ambry Genetics
Classification: Pathogenic for Hereditary cancer-predisposing syndrome. Last evaluated: 2022-04-28. Review status: criteria provided, single submitter. Criteria: Ambry Variant Classification Scheme 2023. Collection method: clinical testing. Allele origin: germline.
Comment: The c.4317_4327del11 pathogenic mutation, located in coding exon 10 of the BRCA2 gene, results from a deletion of 11 nucleotides at nucleotide positions 4317 to 4327, causing a translational frameshift with a predicted alternate stop codon (p.K1440*). This variant is considered to be rare based on population cohorts in the Genome Aggregation Database (gnomAD). This alteration is expected to result in loss of function by premature protein truncation or nonsense-mediated mRNA decay. As such, this alteration is interpreted as a disease-causing mutation.

Color Diagnostics, LLC DBA Color Health
Classification: Pathogenic for Hereditary cancer-predisposing syndrome. Last evaluated: 2020-05-18. Review status: criteria provided, single submitter. Criteria: ACMG Guidelines, 2015. Collection method: clinical testing. Allele origin: germline.
Comment: This variant deletes 11 nucleotides in exon 11 of the BRCA2 gene, creating a frameshift and premature translation stop signal. This variant is expected to result in an absent or non-functional protein product. To our knowledge, this variant has not been reported in individuals affected with hereditary cancer in the literature. This variant has not been identified in the general population by the Genome Aggregation Database (gnomAD). Loss of BRCA2 function is a known mechanism of disease. Based on the available evidence, this variant is classified as Pathogenic.